The following is an entry in ClinVar:

ClinVar aggregate classification (germline): Uncertain significance (1 of 4 stars; one submission).

Submission:

Women's Health and Genetics/Laboratory Corporation of America, LabCorp
Classification: Uncertain significance. Last evaluated: 2024-02-19. Review status: criteria provided, single submitter. Criteria: LabCorp Variant Classification Summary - May 2015. Collection method: clinical testing. Allele origin: germline.
Comment: Variant summary: FTL c.-14_-12delCTT is located in the untranslated mRNA region upstream of the initiation codon. The variant allele was found at a frequency of 4e-06 in 250012 control chromosomes. The available data on variant occurrences in the general population are insufficient to allow any conclusion about variant significance. To our knowledge, no occurrence of c.-14_-12delCTT in individuals affected with L-Ferritin Deficiency and no experimental evidence demonstrating its impact on protein function have been reported. No submitters have cited clinical-significance assessments for this variant to ClinVar. Based on the evidence outlined above, the variant was classified as uncertain significance.

NM_000146.4(FTL):c.-17CTT[1]

Gene: FTL (ferritin light chain; plus strand). Cytogenetic location: 19q13.33.
Variant type: Microsatellite.
Coding change: c.-17CTT[1] on transcript NM_000146.4 (MANE Select); one copy of the 3-base unit CTT starting at c.-17; the reference has two copies in a row; one copy, 3 bases deleted.
Molecular consequence: 5 prime UTR variant.
Genome position (GRCh38, 1-based): chr19:48,965,494-48,965,496, CTT deleted; deleting any 3 consecutive bases within chr19:48,965,491-48,965,496 gives the same sequence; the position shown is the placement nearest the transcript's 3' end. VCF-style (leftmost placement, unchanged base first): chr19-48965490-CCTT-C. GRCh37 (hg19) VCF-style: chr19-49468747-CCTT-C.
Other names: c.-14_-12delCTT (NM_000146.4).
Identifiers: ClinVar variation 3068845 (VCV003068845.2), dbSNP rs1451022254, ClinGen allele CA633889294.
Genomic context (GRCh38, chr19:48,965,490, plus strand): 5'-ACCATCTTCTCGGCCATCTCCTGCTTCTGGGACCTGCCAGCACCGTTTTTGTGGTTAGCT[CCTT>C]CTTGCCAACCAACCATGAGCTCCCAGATTCGTCAGAATTATTCCACCGACGTGGAGGCAG-3'